The following is an entry in ClinVar:

NC_000015.9:g.(?_48725043)_(48725205_?)del

Gene: FBN1 (fibrillin 1; minus strand). Cytogenetic location: 15q21.1.
Variant type: Deletion.
Identifiers: ClinVar variation 3243713 (VCV003243713.1).

ClinVar aggregate classification (germline): Pathogenic (1 of 4 stars; one submission).

Conditions:
Marfan syndrome (MFS). Also called: MARFAN SYNDROME, TYPE I; Marfan syndrome type 1; Marfan's syndrome; Marfan syndrome, classic; FBN1-Related Marfan Syndrome. Identifiers: Orphanet 284963, Orphanet 558, MedGen C0024796, MONDO:0007947, OMIM 154700.
Familial thoracic aortic aneurysm and aortic dissection (TAAD). Also called: Thoracic aortic aneurysms and dissections. Identifiers: Orphanet 91387, MedGen C4707243, MONDO:0019625.

Submission:

Labcorp Genetics (formerly Invitae), Labcorp
Classification: Pathogenic for Marfan syndrome; Familial thoracic aortic aneurysm and aortic dissection. Last evaluated: 2023-12-04. Review status: criteria provided, single submitter. Criteria: Invitae Variant Classification Sherloc (09022015). Collection method: clinical testing. Allele origin: unknown.
Comment: This variant is a gross deletion of the genomic region encompassing exon(s) 55 of the FBN1 gene. This variant would be expected to be in-frame, preserving the integrity of the reading frame. A similar copy number variant has been observed in individual(s) with clinical features of Marfan syndrome (Invitae). This variant affects a cysteine residue in the EGF-like, TGFBP or hybrid motif domains of FBN1. Cysteine residues are believed to be involved in intramolecular disulfide bridges and have been shown to be important for FBN1 protein structure (PMID: 16905551, 19349279). In addition, missense substitutions affecting cysteine residues within these domains are significantly overrepresented among patients with Marfan syndrome (PMID: 16571647, 17701892). For these reasons, this variant has been classified as Pathogenic.

Literature cited by the submitters: PubMed 16905551; PubMed 19349279; PubMed 16571647; PubMed 17701892.